The following is an entry in ClinVar:

ClinVar aggregate classification (germline): Uncertain significance (1 of 4 stars; one submission).

gnomAD v4.1: 1 of 1,167,385 alleles (0.000086%); no homozygotes.

Submission:

GeneDx
Classification: Uncertain significance. Last evaluated: 2024-03-13. Review status: criteria provided, single submitter. Criteria: GeneDx Variant Classification Process June 2021. Collection method: clinical testing. Allele origin: germline. Affected: yes.
Comment: Not observed at significant frequency in large population cohorts (gnomAD); In silico analysis supports that this missense variant does not alter protein structure/function; Has not been previously published as pathogenic or benign to our knowledge

NM_003611.3(OFD1):c.2053A>G (p.Ser685Gly)

Gene: OFD1 (OFD1 centriole and centriolar satellite protein; plus strand). Cytogenetic location: Xp22.2.
Variant type: single nucleotide variant.
Coding change: c.2053A>G on transcript NM_003611.3 (MANE Select); coding-DNA position 2053, A replaced by G.
Protein change: p.Ser685Gly; replaces serine 685 with glycine.
Molecular consequence: missense variant.
Genome position (GRCh38, 1-based): chrX:13,760,513, A>G. VCF-style: chrX-13760513-A-G. GRCh37 (hg19) VCF-style: chrX-13778632-A-G.
Other names: c.1933A>G, p.Ser645Gly (NM_001330209.2); c.1633A>G, p.Ser545Gly (NM_001330210.2); short protein forms S545G, S645G, S685G.
Identifiers: ClinVar variation 3370877 (VCV003370877.1).